The following is an entry in ClinVar:

ClinVar aggregate classification (germline): Likely benign. Review status: criteria provided, single submitter (1 of 4 stars). 2 submissions from 2 submitters: Likely benign (1). 1 of the submissions does not count toward it. Last evaluated 2022-09-01.

Allele frequency attached by ClinVar (database versions not stated): TOPMed 0.00198; 1000 Genomes Project 30x 0.00203; 1000 Genomes Project 0.00020; gnomAD 0.00142 and 0.00151.
gnomAD v4.1: 357 of 1,132,770 alleles (0.032%); highest among the groups gnomAD compares: African/African-American, 0.55%; 1 homozygote.

Submissions (2):

CeGaT Center for Human Genetics Tuebingen
Classification: Likely benign. Last evaluated: 2022-09-01. Review status: criteria provided, single submitter. Criteria: CeGaT Center For Human Genetics Tuebingen Variant Classification Criteria Version 2. Collection method: clinical testing. Allele origin: germline. Affected: yes. Observed: 1 variant allele.
Comment: NRG1: BP4, BP7

Psychiatry Genetics Yale University
No classification provided. Review status: no classification provided. Collection method: not provided. Allele origin: not provided. Not counted in ClinVar's aggregate classification.

NC_000008.11:g.31640296G>A

Gene: NRG1 (neuregulin 1; plus strand). Cytogenetic location: 8p12.
Variant type: single nucleotide variant.
Molecular consequence: synonymous variant (on NM_013962.3). On other transcripts: intron variant (5).
Genome position: GRCh38 VCF-style: chr8-31640296-G-A. GRCh37 (hg19) VCF-style: chr8-31497812-G-A.
Other names: c.312G>A, p.Ala104= (NM_013962.3); c.37+865G>A (NM_001159999.3, NM_001159995.3, NM_001160001.3); c.-556+865G>A (NM_001322201.2); c.-505+865G>A (NM_001322202.2).
Identifiers: ClinVar variation 98387 (VCV000098387.24), dbSNP rs367543156, ClinGen allele CA225643.